The following is an entry in ClinVar:

NM_016169.4(SUFU):c.637C>T (p.Gln213Ter)

Gene: SUFU (SUFU negative regulator of hedgehog signaling; plus strand). Cytogenetic location: 10q24.32.
Variant type: single nucleotide variant.
Coding change: c.637C>T on transcript NM_016169.4 (MANE Select); coding-DNA position 637, C replaced by T.
Protein change: p.Gln213Ter; replaces glutamine 213 with a stop codon.
Molecular consequence: nonsense.
Genome position (GRCh38, 1-based): chr10:102,593,675, C>T. VCF-style: chr10-102593675-C-T. GRCh37 (hg19) VCF-style: chr10-104353432-C-T.
Other names: c.637C>T, p.Gln213Ter (NM_001178133.2); short protein forms Q213*.
Identifiers: ClinVar variation 1068514 (VCV001068514.10), dbSNP rs907135467, ClinGen allele CA377909498.
Genomic context (GRCh38, chr10:102,593,675, plus strand): 5'-GCTTTCTATCCTGGGCCTCAGATCGTTGGTGTCTGCACTGAAGAGCTACACTCAGCCCAG[C>T]AGTGGAACGGGCAGGGCATCCTGGAGCTGCTGCGGACAGTGCCTATGTGAGTACCCATGC-3'

ClinVar aggregate classification (germline): Pathogenic (1 of 4 stars; one submission).

Conditions:
Gorlin syndrome. Also called: Nevoid Basal Cell Carcinoma Syndrome; Basal cell nevus syndrome. Identifiers: Orphanet 377, MedGen C0004779, MONDO:0007187.
Medulloblastoma (MDB). Also called: MEDULLOBLASTOMA PREDISPOSITION SYNDROME; Medulloblastoma, somatic. Identifiers: Orphanet 616, MedGen C0025149, MeSH D008527, MONDO:0007959, OMIM 155255, HP:0002885.

Submission:

Labcorp Genetics (formerly Invitae), Labcorp
Classification: Pathogenic for Gorlin syndrome; Medulloblastoma. Last evaluated: 2020-02-10. Review status: criteria provided, single submitter. Criteria: Invitae Variant Classification Sherloc (09022015). Collection method: clinical testing. Allele origin: germline.
Comment: This sequence change creates a premature translational stop signal (p.Gln213*) in the SUFU gene. It is expected to result in an absent or disrupted protein product. This variant is not present in population databases (ExAC no frequency). This variant has not been reported in the literature in individuals with SUFU-related conditions. Loss-of-function variants in SUFU are known to be pathogenic (PMID: 22508808, 25403219). For these reasons, this variant has been classified as Pathogenic.

Literature cited by the submitters: PubMed 22508808; PubMed 25403219.